The following is an entry in ClinVar:

ClinVar aggregate classification (germline): Uncertain significance (1 of 4 stars; one submission).

Conditions:
VPS13B-related disorder. Also called: VPS13B-related condition.

Submission:

PreventionGenetics, part of Exact Sciences
Classification: Uncertain significance for VPS13B-related condition. Last evaluated: 2025-04-02. Review status: criteria provided, single submitter. Criteria: ACMG Guidelines, 2015. Collection method: clinical testing. Allele origin: germline.
Comment: The VPS13B c.4968A>C variant is predicted to result in the amino acid substitution p.Glu1656Asp. To our knowledge, this variant has not been reported in the literature or in a large population database (gnomAD), indicating this variant is rare. At this time, the clinical significance of this variant is uncertain due to the absence of conclusive functional and genetic evidence.

NM_152564.5(VPS13B):c.4968A>C (p.Glu1656Asp)

Gene: VPS13B (vacuolar protein sorting 13 homolog B; plus strand). Cytogenetic location: 8q22.2.
Variant type: single nucleotide variant.
Coding change: c.4968A>C on transcript NM_152564.5 (MANE Select); coding-DNA position 4968, A replaced by C.
Protein change: p.Glu1656Asp; replaces glutamic acid 1656 with aspartic acid.
Molecular consequence: missense variant.
Genome position (GRCh38, 1-based): chr8:99,575,676, A>C. VCF-style: chr8-99575676-A-C. GRCh37 (hg19) VCF-style: chr8-100587904-A-C.
Other names: c.5043A>C, p.Glu1681Asp (NM_017890.5); short protein forms E1656D, E1681D.
Identifiers: ClinVar variation 4999256 (VCV004999256.1).